The following is an entry in ClinVar:

ClinVar aggregate classification (germline): Conflicting classifications of pathogenicity. Review status: criteria provided, conflicting classifications (1 of 4 stars). 10 submissions from 10 submitters: Uncertain significance (1); Benign (4); Likely benign (3). 2 of the submissions do not count toward it. Last evaluated 2026-05-01.

Conditions:
Autosomal dominant cerebellar ataxia. Also called: Spinocerebellar Ataxia, Dominant. Identifiers: Orphanet 99, MedGen C4087347, MONDO:0020380.

Allele frequency attached by ClinVar (database versions not stated): 1000 Genomes Project 30x 0.00016; 1000 Genomes Project 0.00020; gnomAD exomes 0.00192 and 0.00305; TOPMed 0.00194; ExAC 0.00200; ESP Exome Variant Server 0.00213; gnomAD 0.00213 and 0.00215.
gnomAD v4.1: 4,719 of 1,613,816 alleles (0.29%); highest among the groups gnomAD compares: Non-Finnish European, 0.36%; 7 homozygotes.

Submissions (10):

CeGaT Center for Human Genetics Tuebingen
Classification: Likely benign. Last evaluated: 2026-05-01. Review status: criteria provided, single submitter. Criteria: CeGaT Center For Human Genetics Tuebingen Variant Classification Criteria Version 2. Collection method: clinical testing. Allele origin: germline. Affected: yes. Observed: 12 variant alleles.
Comment: ITPR1: BP4, BS2

Labcorp Genetics (formerly Invitae), Labcorp
Classification: Benign. Last evaluated: 2026-01-15. Review status: criteria provided, single submitter. Criteria: Invitae Variant Classification Sherloc (09022015). Collection method: clinical testing. Allele origin: germline.

Mayo Clinic Laboratories, Mayo Clinic
Classification: Benign. Last evaluated: 2025-01-28. Review status: criteria provided, single submitter. Criteria: ACMG Guidelines, 2015. Collection method: clinical testing. Allele origin: germline. Observed: 3 variant alleles.
Comment: BS1, BS2, BP4, BP7

Athena Diagnostics
Classification: Benign. Last evaluated: 2025-01-22. Review status: criteria provided, single submitter. Criteria: Athena Diagnostics Criteria. Collection method: clinical testing. Allele origin: unknown.
Comment: The frequency of this variant in the general population is higher than would generally be expected for pathogenic variants in this gene. Computational tools yielded predictions that this variant is unlikely to have an effect on normal RNA splicing. This nucleotide position exhibits low evolutionary conservation.

Blueprint Genetics
Classification: Likely benign. Last evaluated: 2024-11-13. Review status: criteria provided, single submitter. Criteria: ACMG Guidelines, 2015. Collection method: clinical testing. Allele origin: germline.

GeneDx
Classification: Likely benign. Last evaluated: 2020-12-18. Review status: criteria provided, single submitter. Criteria: GeneDx Variant Classification Process June 2021. Collection method: clinical testing. Allele origin: germline. Affected: yes.

Illumina Laboratory Services, Illumina
Classification: Benign for Spinocerebellar Ataxia, Dominant. Last evaluated: 2018-01-12. Review status: criteria provided, single submitter. Criteria: ICSL Variant Classification Criteria 13 December 2019. Collection method: clinical testing. Allele origin: germline.
Comment: This variant was observed in the ICSL laboratory as part of a predisposition screen in an ostensibly healthy population. It had not been previously curated by ICSL or reported in the Human Gene Mutation Database (HGMD: prior to June 1st, 2018), and was therefore a candidate for classification through an automated scoring system. Utilizing variant allele frequency, disease prevalence and penetrance estimates, and inheritance mode, an automated score was calculated to assess if this variant is too frequent to cause the disease. Based on the score and internal cut-off values, a variant classified as benign is not then subjected to further curation. The score for this variant resulted in a classification of benign for this disease.

Eurofins Ntd Llc (ga)
Classification: Uncertain significance. Last evaluated: 2014-11-11. Review status: criteria provided, single submitter. Criteria: EGL Classification Definitions 2015. Collection method: clinical testing. Allele origin: germline. Observed: 1 variant allele, 1 heterozygote.

Clinical Genetics DNA and cytogenetics Diagnostics Lab, Erasmus MC, Erasmus Medical Center
Classification: Likely benign. Review status: no assertion criteria provided. Collection method: clinical testing. Allele origin: germline. Affected: yes. Study: VKGL Data-share Consensus. Not counted in ClinVar's aggregate classification.

Genome Diagnostics Laboratory, University Medical Center Utrecht
Classification: Likely benign. Review status: no assertion criteria provided. Collection method: clinical testing. Allele origin: germline. Affected: yes. Study: VKGL Data-share Consensus. Not counted in ClinVar's aggregate classification.

Literature cited by the submitters: PubMed 20437544 (cited by Mayo Clinic Laboratories, Mayo Clinic and Athena Diagnostics); PubMed 29232918 (cited by Athena Diagnostics).

NM_001378452.1(ITPR1):c.5265C>T (p.Asn1755=)

Gene: ITPR1 (inositol 1,4,5-trisphosphate receptor type 1; plus strand). Cytogenetic location: 3p26.1.
Variant type: single nucleotide variant.
Coding change: c.5265C>T on transcript NM_001378452.1 (MANE Select); coding-DNA position 5265, C replaced by T.
Protein change: p.Asn1755=; no amino-acid change (asparagine 1755 retained).
Molecular consequence: synonymous variant.
Genome position (GRCh38, 1-based): chr3:4,733,132, C>T. VCF-style: chr3-4733132-C-T. GRCh37 (hg19) VCF-style: chr3-4774816-C-T.
Other names: p.Asn1692=; c.5076C>T (NM_002222.6); c.5121C>T, p.Asn1707= (NM_001099952.4); c.5220C>T, p.Asn1740= (NM_001168272.2); c.5076C>T, p.Asn1692= (NM_002222.7).
Identifiers: ClinVar variation 197067 (VCV000197067.60), dbSNP rs61757111, ClinGen allele CA244997.